The following is an entry in ClinVar:

ClinVar aggregate classification (germline): Benign. Review status: criteria provided, single submitter (1 of 4 stars). 2 submissions from 2 submitters: Benign (1). 1 of the submissions does not count toward it. Last evaluated 2025-12-08.

Conditions:
Cerebral cavernous malformation 2. Also called: Familial Cerebral Cavernous Malformation 2. Identifiers: Orphanet 221061, MedGen C1864041, MONDO:0011304, OMIM 603284.
CCM2-related disorder. Also called: CCM2-related condition.

Allele frequency attached by ClinVar (database versions not stated): TOPMed 0.00020; 1000 Genomes Project 30x 0.00062; 1000 Genomes Project 0.00080.
gnomAD v4.1: 303 of 1,613,488 alleles (0.019%); highest among the groups gnomAD compares: Admixed American, 0.3%; 1 homozygote.

Submissions (3):

Labcorp Genetics (formerly Invitae), Labcorp
Classification: Benign for Cerebral cavernous malformation 2. Last evaluated: 2025-12-08. Review status: criteria provided, single submitter. Criteria: Invitae Variant Classification Sherloc (09022015). Collection method: clinical testing. Allele origin: germline.

PreventionGenetics, part of Exact Sciences
Classification: Likely benign for CCM2-related condition. Last evaluated: 2024-07-23. Review status: no assertion criteria provided. Collection method: clinical testing. Allele origin: germline. Not counted in ClinVar's aggregate classification.
Comment: This variant is classified as likely benign based on ACMG/AMP sequence variant interpretation guidelines (Richards et al. 2015 PMID: 25741868, with internal and published modifications).

Dr. Peter K. Rogan Lab, Western University
No classification provided (evidence only). Condition: Uterine corpus endometrial carcinoma. Review status: no classification provided. Collection method: in vitro. Allele origin: not applicable. Functional consequence: retained intron. Not counted in ClinVar's aggregate classification.

NM_031443.4(CCM2):c.916-7C>G

Gene: CCM2 (CCM2 scaffold protein; plus strand). Cytogenetic location: 7p13.
Variant type: single nucleotide variant.
Coding change: c.916-7C>G on transcript NM_031443.4 (MANE Select); 7 bases into the intron before coding-DNA position 916, C replaced by G.
Molecular consequence: intron variant.
Genome position (GRCh38, 1-based): chr7:45,074,263, C>G. VCF-style: chr7-45074263-C-G. GRCh37 (hg19) VCF-style: chr7-45113862-C-G.
Other names: c.1039-7C>G (NM_001363458.2); c.643-7C>G (NM_001167935.2); c.865-7C>G (NM_001363459.2); c.742-7C>G (NM_001167934.2); c.979-7C>G (NM_001029835.2).
Identifiers: ClinVar variation 703475 (VCV000703475.14), dbSNP rs551511374, ClinGen allele CA4247206.